The following is an entry in ClinVar:

NM_002392.6(MDM2):c.1148A>C (p.Glu383Ala)

Gene: MDM2 (MDM2 proto-oncogene; plus strand). Cytogenetic location: 12q15.
Variant type: single nucleotide variant.
Coding change: c.1148A>C on transcript NM_002392.6 (MANE Select); coding-DNA position 1148, A replaced by C.
Protein change: p.Glu383Ala; replaces glutamic acid 383 with alanine.
Molecular consequence: missense variant.
Genome position (GRCh38, 1-based): chr12:68,839,503, A>C. VCF-style: chr12-68839503-A-C. GRCh37 (hg19) VCF-style: chr12-69233283-A-C.
Other names: c.989A>C, p.Glu330Ala (NM_001145337.3); c.983A>C, p.Glu328Ala (NM_001145339.2); c.542A>C, p.Glu181Ala (NM_001145340.3); c.620A>C, p.Glu207Ala (NM_001278462.2); c.1130A>C, p.Glu377Ala (NM_001367990.1); short protein forms E207A, E377A, E383A, E328A, E330A, E181A.
Identifiers: ClinVar variation 4755310 (VCV004755310.1).

ClinVar aggregate classification (germline): Uncertain significance (1 of 4 stars; one submission).

Conditions:
Accelerated tumor formation, susceptibility to (ACTFS). Identifiers: MedGen C3280690, OMIM 614401, MONDO:0013733.

gnomAD v4.1: 8 of 1,613,970 alleles (0.0005%); highest among the groups gnomAD compares: Non-Finnish European, 0.00068%; no homozygotes.

Submission:

Labcorp Genetics (formerly Invitae), Labcorp
Classification: Uncertain significance for Accelerated tumor formation, susceptibility to. Last evaluated: 2025-05-27. Review status: criteria provided, single submitter. Criteria: Invitae Variant Classification Sherloc (09022015). Collection method: clinical testing. Allele origin: germline.
Comment: This sequence change replaces glutamic acid, which is acidic and polar, with alanine, which is neutral and non-polar, at codon 383 of the MDM2 protein (p.Glu383Ala). This variant is present in population databases (no rsID available, gnomAD 0.002%). This variant has not been reported in the literature in individuals affected with MDM2-related conditions. An algorithm developed to predict the effect of missense changes on protein structure and function (PolyPhen-2) suggests that this variant is likely to be disruptive. In summary, the available evidence is currently insufficient to determine the role of this variant in disease. Therefore, it has been classified as a Variant of Uncertain Significance.